The following is an entry in ClinVar:

NR_023317.1(RNU7-1):n.28C>T

Genes: C12orf57 (chromosome 12 open reading frame 57; plus strand), RNU7-1 (RNA, U7 small nuclear 1; plus strand). Cytogenetic location: 12p13.31.
Variant type: single nucleotide variant.
Molecular consequence: genic upstream transcript variant (on NM_138425.4). On other transcripts: non-coding transcript variant (1), intron variant (2).
Genome position: GRCh38 VCF-style: chr12-6943843-C-T. GRCh37 (hg19) VCF-style: chr12-7053006-C-T.
Other names: 28C-T; c.-279C>T (NM_138425.4); c.13+181C>T (NM_001301836.2, NM_001301836.1); c.-16+181C>T (NM_001301834.1).
Identifiers: ClinVar variation 1202611 (VCV001202611.12), dbSNP rs180837208, ClinGen allele CA232435238.

ClinVar aggregate classification (germline): Pathogenic/Likely pathogenic. Review status: criteria provided, multiple submitters, no conflicts (2 of 4 stars). 10 submissions from 10 submitters: Pathogenic (3); Likely pathogenic (5). 2 of the submissions do not count toward it. Last evaluated 2026-02-26.

Conditions:
C12orf57-related disorder. Also called: C12orf57-related condition.
Temtamy syndrome (TEMTYS). Also called: MENTAL RETARDATION WITH OR WITHOUT CRANIOFACIAL DYSMORPHISM, OCULAR COLOBOMA, OR ABNORMAL CORPUS CALLOSUM. Identifiers: Orphanet 1777, MedGen C1857512, MONDO:0009033, OMIM 218340.
Spasticity. Identifiers: MedGen C0026838, HP:0001257.
Aicardi-Goutieres syndrome 9. Identifiers: MedGen C5561966, MONDO:0030362, OMIM 619487.

Allele frequency attached by ClinVar (database versions not stated): 1000 Genomes Project 30x 0.00031; 1000 Genomes Project 0.00040.
gnomAD v4.1: 579 of 888,466 alleles (0.065%); highest among the groups gnomAD compares: Non-Finnish European, 0.074%; no homozygotes.

Submissions (10):

PreventionGenetics, part of Exact Sciences
Classification: Likely pathogenic for C12orf57-related condition. Last evaluated: 2026-02-26. Review status: criteria provided, single submitter. Criteria: ACMG Guidelines, 2015. Collection method: clinical testing. Allele origin: germline.
Comment: The C12orf57 c.13+181C>T variant is predicted to interfere with splicing. This variant has been reported in a compound heterozygous state in multiple individuals with autosomal recessive Aicardi-Goutières syndrome from various ethnicities and noted to segregate with the disorder in three families (Supplementary Tables 2, 3, and 6, Uggenti et al. 2020. PubMed ID: 33230297). A functional study using a chimeric mouse indicates that any substitution in the n.28 location (n.28C>T, n.28C>A, n.28C>G) results in pronounced inhibitory effects (Kolev et al. 2006. PubMed ID: 16547514). An alternate nucleotide change at the same location (n.28C>G) has also been reported in an individual affected with Aicardi-Goutières syndrome (Supplementary Table 3, Uggenti. 2020. PubMed ID: 33230297). The n.28C>T variant is reported in 0.24% of alleles in individuals of Latino descent in gnomAD. This variant is consistently classified as likely pathogenic or pathogenic in ClinVar (Variation ID: 1202611). This variant is interpreted as likely pathogenic.

Variantyx, Inc.
Classification: Pathogenic for Aicardi-Goutieres syndrome 9. Last evaluated: 2026-01-15. Review status: criteria provided, single submitter. Criteria: Variantyx Assertion Criteria 2022. Collection method: clinical testing. Allele origin: germline. Inheritance: Autosomal recessive inheritance.
Comment: This variant is located in the RNU7-1 gene (OMIM: 617876), which encodes a non-coding RNA. Pathogenic variants in this gene have been associated with autosomal recessive Aicardi-Goutieres syndrome 9. This variant has been identified in the homozygous or compound heterozygous state in at least 7 individuals reported in the published literature (PMID: 33230297) (PM3) and it has been observed to segregate with disease in at least 7 individuals from 3 families (PMID: 33230297) (PP1_Moderate). Functional studies have shown that this variant alters the function of the RNU7-1 non-coding RNA (PMID: 33230297, 16547514) (PS3). This variant has a 0.0737% maximum allele frequency in non-founder control populations (PM2). Based on the current evidence, this variant is classified as pathogenic for autosomal recessive Aicardi-Goutieres syndrome 9.

Dasa
Classification: Likely pathogenic. Last evaluated: 2025-11-11. Review status: criteria provided, single submitter. Criteria: DASA Assertion Criteria. Collection method: clinical testing. Allele origin: germline.
Comment: NM_001301836.2(C12orf57):c.13+181C>T is an intronic variant. This variant has been reported in individuals with C12orf57-related disorders (PMID: 33230297). Functional evidence supports an impact on the gene or gene product. Also, this variant is rare in population databases. Based on the currently available evidence, this variant is classified as likely pathogenic.

3billion
Classification: Likely pathogenic for Temtamy syndrome. Last evaluated: 2025-01-22. Review status: criteria provided, single submitter. Criteria: ACMG Guidelines, 2015. Collection method: clinical testing. Allele origin: germline. Affected: yes.
Comment: The variant is observed at an extremely low frequency in the gnomAD v4.1.0 dataset (total allele frequency: 0.065%). Predicted Consequence/Location: Non coding variant The variant has been reported at least twice as pathogenic with clinical assertions and evidence for the classification (PMID: 33230297, VCV001202611). Therefore, this variant is classified as Likely pathogenic according to the recommendation of ACMG/AMP guideline.

Clinical Genetics Laboratory, Skane University Hospital Lund
Classification: Pathogenic for Spasticity. Last evaluated: 2024-09-10. Review status: criteria provided, single submitter. Criteria: ACMG Guidelines, 2015. Collection method: clinical testing. Allele origin: germline. Inheritance: Autosomal recessive inheritance. Affected: yes.
Comment: ACMG criteria used: PS3 (PMID: 16547514), PS4 (PMID: 33230297), PM2 (no homozygous in gnomAD v4.1.0). The variant was detected in compound with RNU7-1, n.35G>A (NR_023317).

Mayo Clinic Laboratories, Mayo Clinic
Classification: Likely pathogenic. Last evaluated: 2024-05-30. Review status: criteria provided, single submitter. Criteria: ACMG Guidelines, 2015. Collection method: clinical testing. Allele origin: germline. Observed: 3 variant alleles.
Comment: PP4, PM1, PM3, PS3_supporting

GeneDx
Classification: Likely pathogenic. Last evaluated: 2022-10-26. Review status: criteria provided, single submitter. Criteria: GeneDx Variant Classification Process June 2021. Collection method: clinical testing. Allele origin: germline. Affected: yes.
Comment: Published functional studies demonstrate a damaging effect with severely reduced processing efficiency (Kolev and Steitz, 2006); This variant is associated with the following publications: (PMID: 33230297, 16547514)

Baylor Genetics
Classification: Pathogenic for Aicardi-Goutieres syndrome 9. Last evaluated: 2022-09-02. Review status: criteria provided, single submitter. Criteria: ACMG Guidelines, 2015. Collection method: clinical testing. Allele origin: unknown.

Undiagnosed Diseases Network, NIH
Classification: Pathogenic for Aicardi-Goutieres syndrome 9. Last evaluated: 2022-09-06. Review status: no assertion criteria provided. Collection method: clinical testing. Allele origin: paternal. Affected: yes. Observed: 1 variant allele, 1 compound heterozygote. Study: Undiagnosed Diseases Network (NIH), UDN. Not counted in ClinVar's aggregate classification.

OMIM
Classification: Pathogenic for AICARDI-GOUTIERES SYNDROME 9. Last evaluated: 2021-08-16. Review status: no assertion criteria provided. Collection method: literature only. Allele origin: germline. Not counted in ClinVar's aggregate classification.

Literature cited by the submitters: PubMed 33230297 (cited by 6 submitters); PubMed 16547514 (cited by 3 submitters).